The following is an entry in ClinVar:

ClinVar aggregate classification (germline): Pathogenic (1 of 4 stars; one submission).

Conditions:
Alstrom syndrome (ALMS). Identifiers: Orphanet 64, MedGen C0268425, MONDO:0008763, OMIM 203800.

Submission:

Labcorp Genetics (formerly Invitae), Labcorp
Classification: Pathogenic for Alstrom syndrome. Last evaluated: 2020-10-30. Review status: criteria provided, single submitter. Criteria: Invitae Variant Classification Sherloc (09022015). Collection method: clinical testing. Allele origin: germline.
Comment: For these reasons, this variant has been classified as Pathogenic. This variant has not been reported in the literature in individuals with ALMS1-related conditions. This variant is not present in population databases (ExAC no frequency). This sequence change creates a premature translational stop signal (p.Ala1127Serfs*22) in the ALMS1 gene. It is expected to result in an absent or disrupted protein product. Loss-of-function variants in ALMS1 are known to be pathogenic (PMID: 17594715).

Literature cited by the submitters: PubMed 17594715.

NM_001378454.1(ALMS1):c.3375_3376del (p.Ala1126fs)

Gene: ALMS1 (ALMS1 centrosome and basal body associated protein; plus strand). Cytogenetic location: 2p13.1.
Variant type: Deletion.
Coding change: c.3375_3376del on transcript NM_001378454.1 (MANE Select); coding-DNA positions 3375 to 3376, 2 bases deleted (AG; older notation c.3375_3376delAG).
Protein change: p.Ala1126fs; shifts the reading frame from alanine 1126.
Molecular consequence: frameshift variant.
Genome position (GRCh38, 1-based): chr2:73,449,902-73,449,903, AG deleted. VCF-style (leftmost placement, unchanged base first): chr2-73449901-TAG-T. GRCh37 (hg19) VCF-style: chr2-73677028-TAG-T.
Other names: c.3378_3379del, p.Ala1127fs (NM_015120.4); short protein forms A1127fs, A1126fs.
Identifiers: ClinVar variation 1398697 (VCV001398697.6), dbSNP rs2103778657, ClinGen allele CA2573135763.